The following is an entry in ClinVar:

NM_002769.5(PRSS1):c.394C>A (p.Pro132Thr)

Genes: PRSS1 (serine protease 1; plus strand), TRB (T cell receptor beta locus; plus strand). Cytogenetic location: 7q34.
Variant type: single nucleotide variant.
Coding change: c.394C>A on transcript NM_002769.5 (MANE Select); coding-DNA position 394, C replaced by A.
Protein change: p.Pro132Thr; replaces proline 132 with threonine.
Molecular consequence: missense variant. On other transcripts: non-coding transcript variant (5).
Genome position (GRCh38, 1-based): chr7:142,751,967, C>A. VCF-style: chr7-142751967-C-A. GRCh37 (hg19) VCF-style: chr7-142459818-C-A.
Other names: short protein forms P132T.
Identifiers: ClinVar variation 3426324 (VCV003426324.1).

ClinVar aggregate classification (germline): Uncertain significance (1 of 4 stars; one submission).

Conditions:
Hereditary pancreatitis (PCTT). Also called: Hereditary chronic pancreatitis; PRSS1-Related Hereditary Pancreatitis. Identifiers: Orphanet 676, MedGen C0238339, MONDO:0008185, OMIM 167800.

Submission:

Ambry Genetics
Classification: Uncertain significance for Hereditary pancreatitis. Last evaluated: 2024-09-02. Review status: criteria provided, single submitter. Criteria: Ambry Variant Classification Scheme 2023. Collection method: clinical testing. Allele origin: germline.
Comment: The p.P132T variant (also known as c.394C>A), located in coding exon 3 of the PRSS1 gene, results from a C to A substitution at nucleotide position 394. The proline at codon 132 is replaced by threonine, an amino acid with highly similar properties. This amino acid position is conserved. In addition, the in silico prediction for this alteration is inconclusive. Based on the available evidence, the clinical significance of this variant remains unclear.